The following is an entry in ClinVar:

NM_001351132.2(PEX5):c.967-1G>A

Gene: PEX5 (peroxisomal biogenesis factor 5; plus strand). Cytogenetic location: 12p13.31.
Variant type: single nucleotide variant.
Coding change: c.967-1G>A on transcript NM_001351132.2 (MANE Select); the canonical splice acceptor site of the intron before coding-DNA position 967, G replaced by A.
Molecular consequence: splice acceptor variant. On other transcripts: intron variant (1).
Genome position (GRCh38, 1-based): chr12:7,207,658, G>A. VCF-style: chr12-7207658-G-A. GRCh37 (hg19) VCF-style: chr12-7360254-G-A.
Other names: c.856-1G>A (NM_001351124.3, NM_001351126.2, NM_001374646.1 and 7 more transcripts); c.967-1G>A (NM_001131026.2, NM_001351131.2, NM_001374647.2 and 4 more transcripts); c.832-1G>A (NM_001374649.2, NM_001351140.2, NM_001351139.2); c.901-1G>A (NM_001351135.3, NM_001351138.2); c.1012-1G>A (NM_001131023.2); c.967-10G>A (NM_001351136.2); c.943-1G>A (NM_000319.5).
Identifiers: ClinVar variation 2794538 (VCV002794538.4), dbSNP rs2136226194, ClinGen allele CA383729672.

ClinVar aggregate classification (germline): Likely pathogenic. Review status: criteria provided, multiple submitters, no conflicts (2 of 4 stars). 2 submissions from 2 submitters: Likely pathogenic (2). Last evaluated 2024-04-23.

Conditions:
Peroxisome biogenesis disorder 2B (PBD2B). Identifiers: Orphanet 44, MedGen C3550234, MONDO:0008736, OMIM 202370.
Peroxisome biogenesis disorder 2A (Zellweger) (PBD2A). Also called: Cerebrohepatorenal syndrome, variant types. Identifiers: Orphanet 912, MedGen C3550273, MONDO:0008954, OMIM 214110.
Rhizomelic chondrodysplasia punctata type 5 (RCDP5). Identifiers: Orphanet 468717, MedGen C4225237, MONDO:0014743, OMIM 616716.

Allele frequency attached by ClinVar (database versions not stated): gnomAD exomes below 0.00001.
gnomAD v4.1: 1 of 1,614,046 alleles (0.000062%); highest among the groups gnomAD compares: Non-Finnish European, 0.000085%; no homozygotes.

Submissions (2):

Fulgent Genetics
Classification: Likely pathogenic for Peroxisome biogenesis disorder 2B; Peroxisome biogenesis disorder 2A (Zellweger); Rhizomelic chondrodysplasia punctata type 5. Last evaluated: 2024-04-23. Review status: criteria provided, single submitter. Criteria: ACMG Guidelines, 2015. Collection method: clinical testing. Allele origin: germline.

Labcorp Genetics (formerly Invitae), Labcorp
Classification: Likely pathogenic for Peroxisome biogenesis disorder 2B. Last evaluated: 2023-10-13. Review status: criteria provided, single submitter. Criteria: Invitae Variant Classification Sherloc (09022015). Collection method: clinical testing. Allele origin: germline.
Comment: This sequence change affects an acceptor splice site in intron 10 of the PEX5 gene. It is expected to disrupt RNA splicing. Variants that disrupt the donor or acceptor splice site typically lead to a loss of protein function (PMID: 16199547), and loss-of-function variants in PEX5 are known to be pathogenic (PMID: 18712838, 21031596). This variant is not present in population databases (gnomAD no frequency). This variant has not been reported in the literature in individuals affected with PEX5-related conditions. Algorithms developed to predict the effect of sequence changes on RNA splicing suggest that this variant may disrupt the consensus splice site. In summary, the currently available evidence indicates that the variant is pathogenic, but additional data are needed to prove that conclusively. Therefore, this variant has been classified as Likely Pathogenic.

Literature cited by the submitters: PubMed 16199547 (cited by Labcorp Genetics (formerly Invitae), Labcorp); PubMed 18712838 (cited by Labcorp Genetics (formerly Invitae), Labcorp); PubMed 21031596 (cited by Labcorp Genetics (formerly Invitae), Labcorp).